The following is an entry in ClinVar:

ClinVar aggregate classification (germline): Likely benign. Review status: criteria provided, multiple submitters, no conflicts (2 of 4 stars). 2 submissions from 2 submitters: Likely benign (2). Last evaluated 2025-12-23.

Conditions:
Early-infantile DEE. Also called: Ohtahara syndrome; Early infantile epileptic encephalopathy; Early infantile epileptic encephalopathy with suppression bursts. Identifiers: Orphanet 1934, MedGen C0393706, MONDO:0800491.

Allele frequency attached by ClinVar (database versions not stated): gnomAD exomes below 0.00001; gnomAD 0.00001.
gnomAD v4.1: 3 of 1,614,028 alleles (0.00019%); highest among the groups gnomAD compares: Admixed American, 0.0017%; no homozygotes.

Submissions (2):

Labcorp Genetics (formerly Invitae), Labcorp
Classification: Likely benign for Early-infantile DEE. Last evaluated: 2025-12-23. Review status: criteria provided, single submitter. Criteria: Invitae Variant Classification Sherloc (09022015). Collection method: clinical testing. Allele origin: germline.

Mayo Clinic Laboratories, Mayo Clinic
Classification: Likely benign. Last evaluated: 2025-04-22. Review status: criteria provided, single submitter. Criteria: ACMG Guidelines, 2015. Collection method: clinical testing. Allele origin: germline. Observed: 1 variant allele.
Comment: BP4, BP7

NM_001130438.3(SPTAN1):c.1155T>C (p.Asn385=)

Gene: SPTAN1 (spectrin alpha, non-erythrocytic 1; plus strand). Cytogenetic location: 9q34.11.
Variant type: single nucleotide variant.
Coding change: c.1155T>C on transcript NM_001130438.3 (MANE Select); coding-DNA position 1155, T replaced by C.
Protein change: p.Asn385=; no amino-acid change (asparagine 385 retained).
Molecular consequence: synonymous variant.
Genome position (GRCh38, 1-based): chr9:128,578,179, T>C. VCF-style: chr9-128578179-T-C. GRCh37 (hg19) VCF-style: chr9-131340458-T-C.
Other names: p.Asn385=; c.1155T>C, p.Asn385= (NM_001195532.2, NM_001363759.2, NM_001363765.2 and 5 more transcripts); c.1191T>C, p.Asn397= (NM_001375312.2, NM_001375318.1).
Identifiers: ClinVar variation 1645189 (VCV001645189.10), dbSNP rs1325465304, ClinGen allele CA467295340.
Genomic context (GRCh38, chr9:128,578,179, plus strand): 5'-CTTCCTTGCTGACTTCCGTGACCTCACCAGCTGGGTGACTGAGATGAAAGCCCTCATCAA[T>C]GCAGATGAGCTTGCCAGTGATGTGGCTGGGGCTGAAGCCCTGCTAGATAGACACCAAGAG-3'
Protein context (NP_001123910.1, residues 375-395): SWVTEMKALI[Asn385=]ADELASDVAG